The following is an entry in ClinVar:

ClinVar aggregate classification (germline): Uncertain significance (1 of 4 stars; one submission).

Conditions:
Hereditary cancer-predisposing syndrome. Also called: Neoplastic Syndromes, Hereditary; Tumor predisposition; Hereditary Cancer Syndrome; Hereditary neoplastic syndrome. Identifiers: Orphanet 140162, MedGen C0027672, MeSH D009386, MONDO:0015356.

Submission:

Ambry Genetics
Classification: Uncertain significance for Hereditary cancer-predisposing syndrome. Last evaluated: 2020-10-05. Review status: criteria provided, single submitter. Criteria: Ambry Variant Classification Scheme 2023. Collection method: clinical testing. Allele origin: germline.
Comment: The p.N562K variant (also known as c.1686C>G), located in coding exon 11 of the CTNNA1 gene, results from a C to G substitution at nucleotide position 1686. The asparagine at codon 562 is replaced by lysine, an amino acid with similar properties. This amino acid position is highly conserved in available vertebrate species. In addition, this alteration is predicted to be tolerated by in silico analysis. Since supporting evidence is limited at this time, the clinical significance of this alteration remains unclear.

NM_001903.5(CTNNA1):c.1686C>G (p.Asn562Lys)

Gene: CTNNA1 (catenin alpha 1; plus strand). Cytogenetic location: 5q31.2.
Variant type: single nucleotide variant.
Coding change: c.1686C>G on transcript NM_001903.5 (MANE Select); coding-DNA position 1686, C replaced by G.
Protein change: p.Asn562Lys; replaces asparagine 562 with lysine.
Molecular consequence: missense variant.
Genome position (GRCh38, 1-based): chr5:138,924,649, C>G. VCF-style: chr5-138924649-C-G. GRCh37 (hg19) VCF-style: chr5-138260338-C-G.
Other names: c.576C>G, p.Asn192Lys (NM_001323991.1, NM_001323994.1, NM_001323995.1 and 17 more transcripts); c.1686C>G, p.Asn562Lys (NM_001290307.3, NM_001323982.2, NM_001323983.1 and 2 more transcripts); c.1377C>G, p.Asn459Lys (NM_001290309.3); c.1317C>G, p.Asn439Lys (NM_001290310.3); c.1593C>G, p.Asn531Lys (NM_001323986.2); c.237C>G, p.Asn79Lys (NM_001324006.1, NM_001324007.1, NM_001324008.1 and 2 more transcripts); c.483C>G, p.Asn161Lys (NM_001324011.1); c.333C>G, p.Asn111Lys (NM_001324012.1, NM_001324013.1); short protein forms N111K, N459K, N562K, N79K, N531K, N161K, N192K, N439K.
Identifiers: ClinVar variation 1778007 (VCV001778007.2), dbSNP rs2150289472, ClinGen allele CA361131973.
Genomic context (GRCh38, chr5:138,924,649, plus strand): 5'-TGGTGCAATTCGAGGCCGGGCAGCCCGGGTCATTCACGTAGTCACCTCAGAGATGGACAA[C>G]TATGAGCCAGGAGTCTACACAGAGAAGGTTCTGGAAGCCACTAAGCTGCTCTCCAACACA-3'
Protein context (NP_001894.2, residues 552-572): VIHVVTSEMD[Asn562Lys]YEPGVYTEKV